The following is an entry in ClinVar:

ClinVar aggregate classification (germline): Uncertain significance (0 of 4 stars; one submission).

Conditions:
GATA3-related disorder. Also called: GATA3-related condition.

Submission:

PreventionGenetics, part of Exact Sciences
Classification: Uncertain significance for GATA3-related condition. Last evaluated: 2024-04-17. Review status: no assertion criteria provided. Collection method: clinical testing. Allele origin: germline.
Comment: The GATA3 c.173A>G variant is predicted to result in the amino acid substitution p.Asn58Ser. To our knowledge, this variant has not been reported in the literature or in a large population database, indicating this variant is rare. Although we suspect that this variant may be pathogenic, at this time, the clinical significance of this variant is uncertain due to the absence of conclusive functional and genetic evidence.

NM_001002295.2(GATA3):c.173A>G (p.Asn58Ser)

Gene: GATA3 (GATA binding protein 3; plus strand). Cytogenetic location: 10p14.
Variant type: single nucleotide variant.
Coding change: c.173A>G on transcript NM_001002295.2 (MANE Select); coding-DNA position 173, A replaced by G.
Protein change: p.Asn58Ser; replaces asparagine 58 with serine.
Molecular consequence: missense variant.
Genome position (GRCh38, 1-based): chr10:8,055,828, A>G. VCF-style: chr10-8055828-A-G. GRCh37 (hg19) VCF-style: chr10-8097791-A-G.
Other names: c.173A>G, p.Asn58Ser (NM_002051.3); short protein forms N58S.
Identifiers: ClinVar variation 3348774 (VCV003348774.1).
Genomic context (GRCh38, chr10:8,055,828, plus strand): 5'-CGGCGCAGTACCCGCTGCCGGAGGAGGTGGATGTGCTTTTTAACATCGACGGTCAAGGCA[A>G]CCACGTCCCGCCCTACTACGGAAACTCGGTCAGGGCCACGGTGCAGAGGTACCCTCCGAC-3'
Protein context (NP_001002295.1, residues 48-68): DVLFNIDGQG[Asn58Ser]HVPPYYGNSV